The following is an entry in ClinVar:

NM_024884.3(L2HGDH):c.1024G>A (p.Asp342Asn)

Gene: L2HGDH (L-2-hydroxyglutarate dehydrogenase; minus strand). Cytogenetic location: 14q21.3.
Variant type: single nucleotide variant.
Coding change: c.1024G>A on transcript NM_024884.3 (MANE Select); coding-DNA position 1024, G replaced by A.
Protein change: p.Asp342Asn; replaces aspartic acid 342 with asparagine.
Molecular consequence: missense variant.
Genome position (GRCh38, 1-based): chr14:50,267,793, C>T on the plus strand (G>A on the coding strand, the complement: L2HGDH is on the minus strand). VCF-style: chr14-50267793-C-T. GRCh37 (hg19) VCF-style: chr14-50734511-C-T.
Other names: short protein forms D342N.
Identifiers: ClinVar variation 2063286 (VCV002063286.2), dbSNP rs374931483, ClinGen allele CA7177822.

ClinVar aggregate classification (germline): Uncertain significance (1 of 4 stars; one submission).

Conditions:
L-2-hydroxyglutaric aciduria (L2HGA). Identifiers: Orphanet 79314, MedGen C1855995, MONDO:0009370, OMIM 236792, HP:0040144.

Allele frequency attached by ClinVar (database versions not stated): gnomAD exomes 0.00001; ExAC 0.00002; gnomAD 0.00007; TOPMed 0.00008; ESP Exome Variant Server 0.00015.
gnomAD v4.1: 25 of 1,613,010 alleles (0.0015%); highest among the groups gnomAD compares: African/African-American, 0.032%; no homozygotes.

Submission:

Labcorp Genetics (formerly Invitae), Labcorp
Classification: Uncertain significance for L-2-hydroxyglutaric aciduria. Last evaluated: 2023-03-14. Review status: criteria provided, single submitter. Criteria: Invitae Variant Classification Sherloc (09022015). Collection method: clinical testing. Allele origin: germline.
Comment: In summary, the available evidence is currently insufficient to determine the role of this variant in disease. Therefore, it has been classified as a Variant of Uncertain Significance. Algorithms developed to predict the effect of sequence changes on RNA splicing suggest that this variant may disrupt the consensus splice site. An algorithm developed to predict the effect of missense changes on protein structure and function (PolyPhen-2) suggests that this variant is likely to be disruptive. ClinVar contains an entry for this variant (Variation ID: 2063286). This variant has not been reported in the literature in individuals affected with L2HGDH-related conditions. This variant is present in population databases (rs374931483, gnomAD 0.03%). This sequence change replaces aspartic acid, which is acidic and polar, with asparagine, which is neutral and polar, at codon 342 of the L2HGDH protein (p.Asp342Asn).